The following is an entry in ClinVar:

ClinVar aggregate classification (germline): Uncertain significance (1 of 4 stars; one submission).

Submission:

Labcorp Genetics (formerly Invitae), Labcorp
Classification: Uncertain significance. Last evaluated: 2022-03-26. Review status: criteria provided, single submitter. Criteria: Invitae Variant Classification Sherloc (09022015). Collection method: clinical testing. Allele origin: germline.
Comment: This sequence change replaces glycine, which is neutral and non-polar, with cysteine, which is neutral and slightly polar, at codon 379 of the PUS1 protein (p.Gly379Cys). This variant is not present in population databases (gnomAD no frequency). This variant has not been reported in the literature in individuals affected with PUS1-related conditions. Algorithms developed to predict the effect of missense changes on protein structure and function are either unavailable or do not agree on the potential impact of this missense change (SIFT: "Deleterious"; PolyPhen-2: "Possibly Damaging"; Align-GVGD: "Class C0"). In summary, the available evidence is currently insufficient to determine the role of this variant in disease. Therefore, it has been classified as a Variant of Uncertain Significance.

NM_025215.6(PUS1):c.1135G>T (p.Gly379Cys)

Gene: PUS1 (pseudouridine synthase 1; plus strand). Cytogenetic location: 12q24.33.
Variant type: single nucleotide variant.
Coding change: c.1135G>T on transcript NM_025215.6 (MANE Select); coding-DNA position 1135, G replaced by T.
Protein change: p.Gly379Cys; replaces glycine 379 with cysteine.
Molecular consequence: missense variant.
Genome position (GRCh38, 1-based): chr12:131,941,882, G>T. VCF-style: chr12-131941882-G-T. GRCh37 (hg19) VCF-style: chr12-132426427-G-T.
Other names: c.1051G>T, p.Gly351Cys (NM_001002019.3, NM_001002020.3); short protein forms G379C, G351C.
Identifiers: ClinVar variation 2117037 (VCV002117037.1), dbSNP rs886049093, ClinGen allele CA387299920.
Genomic context (GRCh38, chr12:131,941,882, plus strand): 5'-GCGCAGGAGGAAGGAAAGGTCGCAGCCTTCAAGGAGGAGCACATCTACCCCACCATCATC[G>T]GCACCGAGCGGGACGAACGCTCCATGGCCCAGTGGCTGAGCACCTTGCCCATCCACAACT-3'
Protein context (NP_079491.2, residues 369-389): KEEHIYPTII[Gly379Cys]TERDERSMAQ